The following is an entry in ClinVar:

NM_133368.3(RSPRY1):c.630C>T (p.Ala210=)

Gene: RSPRY1 (ring finger and SPRY domain containing 1; plus strand). Cytogenetic location: 16q13.
Variant type: single nucleotide variant.
Coding change: c.630C>T on transcript NM_133368.3 (MANE Select); coding-DNA position 630, C replaced by T.
Protein change: p.Ala210=; no amino-acid change (alanine 210 retained).
Molecular consequence: synonymous variant.
Genome position (GRCh38, 1-based): chr16:57,213,085, C>T. VCF-style: chr16-57213085-C-T. GRCh37 (hg19) VCF-style: chr16-57246997-C-T.
Other names: c.630C>T, p.Ala210= (NM_001305163.2, NM_001305164.2).
Identifiers: ClinVar variation 739240 (VCV000739240.49), dbSNP rs145688335, ClinGen allele CA8074494.

ClinVar aggregate classification (germline): Likely benign. Review status: criteria provided, multiple submitters, no conflicts (2 of 4 stars). 3 submissions from 3 submitters: Likely benign (3). Last evaluated 2025-09-11.

Allele frequency attached by ClinVar (database versions not stated): ESP Exome Variant Server 0.00054; gnomAD 0.00055 and 0.00058; ExAC 0.00059; gnomAD exomes 0.00059 and 0.00062; TOPMed 0.00060; 1000 Genomes Project 30x 0.00094; 1000 Genomes Project 0.00100.
gnomAD v4.1: 1,013 of 1,611,712 alleles (0.063%); highest among the groups gnomAD compares: Middle Eastern, 0.13%; 1 homozygote.

Submissions (3):

Labcorp Genetics (formerly Invitae), Labcorp
Classification: Likely benign. Last evaluated: 2025-09-11. Review status: criteria provided, single submitter. Criteria: Invitae Variant Classification Sherloc (09022015). Collection method: clinical testing. Allele origin: germline.

CeGaT Center for Human Genetics Tuebingen
Classification: Likely benign. Last evaluated: 2024-12-01. Review status: criteria provided, single submitter. Criteria: CeGaT Center For Human Genetics Tuebingen Variant Classification Criteria Version 2. Collection method: clinical testing. Allele origin: germline. Affected: yes. Observed: 4 variant alleles.
Comment: RSPRY1: BP4, BP7

Blueprint Genetics
Classification: Likely benign. Last evaluated: 2024-10-08. Review status: criteria provided, single submitter. Criteria: ACMG Guidelines, 2015. Collection method: clinical testing. Allele origin: germline.